The following is an entry in ClinVar:

ClinVar aggregate classification (germline): Likely pathogenic (1 of 4 stars; one submission).

Conditions:
Retinal dystrophy. Also called: Inherited retinal dystrophy. Identifiers: Orphanet 71862, MedGen C0854723, MeSH D058499, MONDO:0019118, HP:0000556.

Submission:

Ophthalmic Genetics Group, Institute of Molecular and Clinical Ophthalmology Basel
Classification: Likely pathogenic for Retinal dystrophy. Last evaluated: 2024-05-27. Review status: criteria provided, single submitter. Criteria: ACMG Guidelines, 2015. Collection method: research. Allele origin: germline. Affected: yes. Observed: 4 variant alleles.
Comment: This variant was classified as Likely pathogenic based on ACMG criteria: PM2_mod, PP1_strong and PP3_mod

Literature cited by the submitters: PubMed 40180963.

NM_003322.6(TULP1):c.1495+5G>A

Gene: TULP1 (TUB like protein 1; minus strand). Cytogenetic location: 6p21.31.
Variant type: single nucleotide variant.
Coding change: c.1495+5G>A on transcript NM_003322.6 (MANE Select); 5 bases into the intron after coding-DNA position 1495, G replaced by A.
Molecular consequence: intron variant.
Genome position (GRCh38, 1-based): chr6:35,499,976, C>T on the plus strand (G>A on the coding strand, the complement: TULP1 is on the minus strand). VCF-style: chr6-35499976-C-T. GRCh37 (hg19) VCF-style: chr6-35467753-C-T.
Other names: NC_000006.11:g.35467753C>T; NP_003313.3:p.?; c.1336+5G>A (NM_001289395.2).
Identifiers: ClinVar variation 3381778 (VCV003381778.2).